The following is an entry in ClinVar:

ClinVar aggregate classification (germline): Uncertain significance (1 of 4 stars; one submission).

Conditions:
Syndromic intellectual disability. Also called: Intellectual disability syndrome. Identifiers: Orphanet 183763, MedGen C5680525, MONDO:0000508.

Submission:

Broad Center for Mendelian Genomics, Broad Institute of MIT and Harvard
Classification: Uncertain significance for Syndromic intellectual disability. Last evaluated: 2025-07-18. Review status: criteria provided, single submitter. Criteria: ACMG Guidelines, 2015. Collection method: curation. Allele origin: germline. Inheritance: Autosomal dominant inheritance. Study: GREGoR Consortium.
Comment: While this gene is still lacking sufficient evidence to establish a gene-disease relationship, we believe this is a possible novel gene candidate for syndromic intellectual disability. Given the limited information about this gene-disease relationship, the significance of the p.Met1Thr variant is uncertain. If you have any additional information about functional evidence or other individuals with this phenotype that also have variants in HDAC9 we encourage you to reach out to us.

NM_178425.4(HDAC9):c.2T>C (p.Met1Thr)

Gene: HDAC9 (histone deacetylase 9; plus strand). Cytogenetic location: 7p21.1.
Variant type: single nucleotide variant.
Coding change: c.2T>C on transcript NM_178425.4 (MANE Select); coding-DNA position 2, T replaced by C.
Protein change: p.Met1Thr; changes the start codon (methionine 1).
Molecular consequence: missense variant, initiator codon variant. On other transcripts: 5 prime UTR variant (4), non-coding transcript variant (1).
Genome position (GRCh38, 1-based): chr7:18,496,304, T>C. VCF-style: chr7-18496304-T-C. GRCh37 (hg19) VCF-style: chr7-18535927-T-C.
Other names: NM_178425.4:c.2T>C; c.128T>C, p.Met43Thr (NM_001204144.3); c.2T>C, p.Met1Thr (NM_001204145.3, NM_001204146.2, NM_001321874.2 and 22 more transcripts); c.68T>C, p.Met23Thr (NM_001321868.2, NM_001321869.2, NM_001321870.2 and 3 more transcripts); c.-151T>C (NM_001321886.2, NM_001321887.2, NM_001321889.2 and 1 more transcripts); short protein forms M23T, M43T, M1T.
Identifiers: ClinVar variation 4070924 (VCV004070924.1).
Genomic context (GRCh38, chr7:18,496,304, plus strand): 5'-ACTCCTGTTTTTCCTCAGATGGGGTGGCTGGACGAGAGCAGCTCTTGGCTCAGCAAAGAA[T>C]GCACAGTATGATCAGCTCAGGTAAGATCCTCTTTCATAACTGAGACGTTTTAGGTTTGAA-3'
Protein context (NP_848512.1, residues 1-11): [Met1Thr]HSMISSVDVK